The following is an entry in ClinVar:

ClinVar aggregate classification (germline): Conflicting classifications of pathogenicity. Review status: criteria provided, conflicting classifications (1 of 4 stars). 3 submissions from 3 submitters: Pathogenic (1); Uncertain significance (1). 1 of the submissions does not count toward it. Last evaluated 2025-03-17.

Conditions:
Stickler syndrome type 1 (STL1). Also called: ARTHROOPHTHALMOPATHY, HEREDITARY PROGRESSIVE; STICKLER SYNDROME, MEMBRANOUS VITREOUS TYPE; STICKLER SYNDROME, VITREOUS TYPE 1; COL2A1-Related Stickler Syndrome. Identifiers: Orphanet 828, Orphanet 90653, MedGen C2020284, MONDO:0007160, OMIM 108300.

Submissions (3):

GeneDx
Classification: Pathogenic. Last evaluated: 2025-03-17. Review status: criteria provided, single submitter. Criteria: GeneDx Variant Classification Process June 2021. Collection method: clinical testing. Allele origin: germline. Affected: yes.
Comment: In-frame deletion of 3 of amino acidsin a non-repeat region predicted to critically alter the protein; Occurs in the triple helical domain and is predicted to remove canonical Gly-X-Y repeat units; an in-frame deletion variant in this region is expected to disrupt normal protein folding and function, and this is an established mechanism of disease; In silico analysis supports a deleterious effect on protein structure/function; Not observed at significant frequency in large population cohorts (gnomAD); This variant is associated with the following publications: (PMID: 34416374)

Blueprint Genetics
Classification: Uncertain significance. Last evaluated: 2017-11-30. Review status: criteria provided, single submitter. Criteria: ACMG Guidelines, 2015. Collection method: clinical testing. Allele origin: germline.

WangQJ Lab, Chinese People's Liberation Army General Hospital
Classification: Likely pathogenic for Stickler syndrome type 1. Last evaluated: 2021-07-01. Review status: no assertion criteria provided. Collection method: clinical testing. Allele origin: de novo. Affected: yes. Not counted in ClinVar's aggregate classification.

NM_001844.5(COL2A1):c.2748CCCTGGTCC[1] (p.914PGP[2])

Gene: COL2A1 (collagen type II alpha 1 chain; minus strand). Cytogenetic location: 12q13.11.
Variant type: Microsatellite.
Coding change: c.2748CCCTGGTCC[1] on transcript NM_001844.5 (MANE Select); one copy of the 9-base unit CCCTGGTCC starting at c.2748; the reference has two copies in a row; one copy, 9 bases deleted.
Protein change: p.914PGP[2].
Molecular consequence: inframe deletion.
Genome position (GRCh38, 1-based): chr12:47,978,727-47,978,735, GGACCAGGG deleted on the plus strand (CCCTGGTCC on the coding strand, the reverse complement: COL2A1 is on the minus strand); deleting any 9 consecutive bases within chr12:47,978,727-47,978,746 gives the same sequence; the position shown is the placement nearest the transcript's 3' end. VCF-style (leftmost placement, unchanged base first): chr12-47978726-AGGACCAGGG-A. GRCh37 (hg19) VCF-style: chr12-48372509-AGGACCAGGG-A.
Other names: c.2541CCCTGGTCC[1], p.845PGP[2] (NM_033150.3).
Identifiers: ClinVar variation 1185064 (VCV001185064.4), dbSNP rs2136528419, ClinGen allele CA2580615172.